The following is an entry in ClinVar:

ClinVar aggregate classification (germline): Uncertain significance (1 of 4 stars; one submission).

Conditions:
Myopathy, proximal, and ophthalmoplegia (CMYO6). Also called: CONGENITAL MYOPATHY 6 WITH OPHTHALMOPLEGIA; MYOPATHY WITH CONGENITAL JOINT CONTRACTURES, OPHTHALMOPLEGIA, AND RIMMED VACUOLES; INCLUSION BODY MYOPATHY 3, AUTOSOMAL DOMINANT. Identifiers: Orphanet 363677, Orphanet 79091, MedGen C1854106, MONDO:0011577, OMIM 605637.

Submission:

Labcorp Genetics (formerly Invitae), Labcorp
Classification: Uncertain significance for Myopathy, proximal, and ophthalmoplegia. Last evaluated: 2023-12-05. Review status: criteria provided, single submitter. Criteria: Invitae Variant Classification Sherloc (09022015). Collection method: clinical testing. Allele origin: unknown.
Comment: This variant is a gross deletion of the genomic region encompassing exon(s) 9-40 of the MYH2 gene, which includes the termination codon. This deletion extends beyond the assayed region for this gene and therefore may encompass additional genes. While this deletion is not anticipated to lead to nonsense mediated decay, it is expected to alter mRNA translation or result in a truncated protein product. This variant has not been reported in the literature in individuals affected with MYH2-related conditions. In summary, the available evidence is currently insufficient to determine the role of this variant in disease. Therefore, it has been classified as a Variant of Uncertain Significance.

NC_000017.10:g.(?_10424597)_(10446498_?)del

Gene: MYH2 (myosin heavy chain 2; minus strand). Cytogenetic location: 17p13.1.
Variant type: Deletion.
Identifiers: ClinVar variation 3243049 (VCV003243049.1).